The following is an entry in ClinVar:

ClinVar aggregate classification (germline): Uncertain significance (1 of 4 stars; one submission).

Conditions:
Catecholaminergic polymorphic ventricular tachycardia 1. Also called: VENTRICULAR TACHYCARDIA, CATECHOLAMINERGIC POLYMORPHIC, 1, WITH OR WITHOUT ATRIAL DYSFUNCTION AND/OR DILATED CARDIOMYOPATHY; VENTRICULAR TACHYCARDIA, STRESS-INDUCED POLYMORPHIC 1; RYR2-Related Catecholaminergic Polymorphic Ventricular Tachycardia. Identifiers: Orphanet 3286, MedGen C1631597, MONDO:0011484, OMIM 604772.

Submission:

Labcorp Genetics (formerly Invitae), Labcorp
Classification: Uncertain significance for Catecholaminergic polymorphic ventricular tachycardia 1. Last evaluated: 2022-08-21. Review status: criteria provided, single submitter. Criteria: Invitae Variant Classification Sherloc (09022015). Collection method: clinical testing. Allele origin: germline.
Comment: In summary, the available evidence is currently insufficient to determine the role of this variant in disease. Therefore, it has been classified as a Variant of Uncertain Significance. Advanced modeling of protein sequence and biophysical properties (such as structural, functional, and spatial information, amino acid conservation, physicochemical variation, residue mobility, and thermodynamic stability) performed at Invitae indicates that this missense variant is expected to disrupt RYR2 protein function. This variant has not been reported in the literature in individuals affected with RYR2-related conditions. This variant is not present in population databases (gnomAD no frequency). This sequence change replaces alanine, which is neutral and non-polar, with valine, which is neutral and non-polar, at codon 3165 of the RYR2 protein (p.Ala3165Val).

NM_001035.3(RYR2):c.9494C>T (p.Ala3165Val)

Gene: RYR2 (ryanodine receptor 2; plus strand). Cytogenetic location: 1q43.
Variant type: single nucleotide variant.
Coding change: c.9494C>T on transcript NM_001035.3 (MANE Select); coding-DNA position 9494, C replaced by T.
Protein change: p.Ala3165Val; replaces alanine 3165 with valine.
Molecular consequence: missense variant.
Genome position (GRCh38, 1-based): chr1:237,705,257, C>T. VCF-style: chr1-237705257-C-T. GRCh37 (hg19) VCF-style: chr1-237868557-C-T.
Other names: short protein forms A3165V.
Identifiers: ClinVar variation 1717362 (VCV001717362.6), dbSNP rs2547390237, ClinGen allele CA345407558.